The following is an entry in ClinVar:

NM_006509.4(RELB):c.1367C>T (p.Pro456Leu)

Gene: RELB (RELB proto-oncogene, NF-kB subunit; plus strand). Cytogenetic location: 19q13.32.
Variant type: single nucleotide variant.
Coding change: c.1367C>T on transcript NM_006509.4 (MANE Select); coding-DNA position 1367, C replaced by T.
Protein change: p.Pro456Leu; replaces proline 456 with leucine.
Molecular consequence: missense variant.
Genome position (GRCh38, 1-based): chr19:45,037,417, C>T. VCF-style: chr19-45037417-C-T. GRCh37 (hg19) VCF-style: chr19-45540675-C-T.
Other names: c.1367C>T (NM_006509.3); short protein forms P456L.
Identifiers: ClinVar variation 1415278 (VCV001415278.7), dbSNP rs376379796, ClinGen allele CA9507856.

ClinVar aggregate classification (germline): Uncertain significance. Review status: criteria provided, multiple submitters, no conflicts (2 of 4 stars). 2 submissions from 2 submitters: Uncertain significance (2). Last evaluated 2025-12-30.

Allele frequency attached by ClinVar (database versions not stated): ExAC 0.00005; ESP Exome Variant Server 0.00008; gnomAD exomes 0.00008.
gnomAD v4.1: 78 of 1,576,572 alleles (0.0049%); highest among the groups gnomAD compares: East Asian, 0.025%; no homozygotes.

Submissions (2):

Labcorp Genetics (formerly Invitae), Labcorp
Classification: Uncertain significance. Last evaluated: 2025-12-30. Review status: criteria provided, single submitter. Criteria: Invitae Variant Classification Sherloc (09022015). Collection method: clinical testing. Allele origin: germline.
Comment: This sequence change replaces proline, which is neutral and non-polar, with leucine, which is neutral and non-polar, at codon 456 of the RELB protein (p.Pro456Leu). This variant is present in population databases (rs376379796, gnomAD 0.03%). This variant has not been reported in the literature in individuals affected with RELB-related conditions. ClinVar contains an entry for this variant (Variation ID: 1415278). An algorithm developed to predict the effect of missense changes on protein structure and function (PolyPhen-2) suggests that this variant is likely to be tolerated. In summary, the available evidence is currently insufficient to determine the role of this variant in disease. Therefore, it has been classified as a Variant of Uncertain Significance.

Ambry Genetics
Classification: Uncertain significance. Last evaluated: 2021-08-23. Review status: criteria provided, single submitter. Criteria: Ambry Variant Classification Scheme 2023. Collection method: clinical testing. Allele origin: germline.